The following is an entry in ClinVar:

NM_000284.4(PDHA1):c.981_1008+6dup

Gene: PDHA1 (pyruvate dehydrogenase E1 subunit alpha 1; plus strand). Cytogenetic location: Xp22.12.
Variant type: Duplication.
Coding change: c.981_1008+6dup on transcript NM_000284.4 (MANE Select); coding-DNA position 981 through 6 bases into the intron after coding-DNA position 1008, 34 bases duplicated.
Molecular consequence: splice donor variant.
Genome position (GRCh38, 1-based): chrX:19,358,997-19,359,030, 34 bases duplicated; duplicating any 34 consecutive bases within chrX:19,358,993-19,359,030 gives the same sequence; the c. name uses the placement nearest the transcript's 3' end. GRCh37 (hg19): chrX:19,377,115-19,377,148.
Other names: c.1095_1122+6dup (NM_001173454.2); c.1002_1029+6dup (NM_001173455.2); c.888_915+6dup (NM_001173456.2).
Identifiers: ClinVar variation 1314330 (VCV001314330.2), dbSNP rs2147187364, ClinGen allele CA2573055207.
Genomic context (GRCh38, chrX:19,358,992, plus strand): 5'-GAAATTCAGGAAGTAAGAAGTAAGAGTGACCCTATTATGCTTCTCAAGGACAGGATGGTG[A>AACAGCAATCTTGCCAGTGTGGAAGAACTAAAGGT]ACAGCAATCTTGCCAGTGTGGAAGAACTAAAGGTACAGTCACTTGTTCATGGTGGTTTGA-3'

ClinVar aggregate classification (germline): Uncertain significance (1 of 4 stars; one submission).

Submission:

GeneDx
Classification: Uncertain significance. Last evaluated: 2021-03-29. Review status: criteria provided, single submitter. Criteria: GeneDx Variant Classification Process June 2021. Collection method: clinical testing. Allele origin: germline. Affected: yes.
Comment: Not observed in large population cohorts (Lek et al., 2016); Has not been previously published as pathogenic or benign to our knowledge; In silico analysis, which includes splice predictors and evolutionary conservation, suggests this variant may impact gene splicing. In the absence of RNA/functional studies, the actual effect of this sequence change is unknown.